The following is an entry in ClinVar:

ClinVar aggregate classification (germline): Likely benign. Review status: criteria provided, single submitter (1 of 4 stars). 2 submissions from 2 submitters: Likely benign (1). 1 of the submissions does not count toward it. Last evaluated 2025-12-19.

Conditions:
NTRK2-related disorder. Also called: NTRK2-related condition.

Allele frequency attached by ClinVar (database versions not stated): ExAC 0.00001; gnomAD exomes 0.00002 and 0.00004; gnomAD 0.00004; TOPMed 0.00005.
gnomAD v4.1: 62 of 1,613,824 alleles (0.0038%); highest among the groups gnomAD compares: Non-Finnish European, 0.0052%; no homozygotes.

Submissions (2):

Labcorp Genetics (formerly Invitae), Labcorp
Classification: Likely benign. Last evaluated: 2025-12-19. Review status: criteria provided, single submitter. Criteria: Invitae Variant Classification Sherloc (09022015). Collection method: clinical testing. Allele origin: germline.

PreventionGenetics, part of Exact Sciences
Classification: Likely benign for NTRK2-related condition. Last evaluated: 2019-07-22. Review status: no assertion criteria provided. Collection method: clinical testing. Allele origin: germline. Not counted in ClinVar's aggregate classification.
Comment: This variant is classified as likely benign based on ACMG/AMP sequence variant interpretation guidelines (Richards et al. 2015 PMID: 25741868, with internal and published modifications).

NM_006180.6(NTRK2):c.39G>A (p.Ala13=)

Gene: NTRK2 (neurotrophic receptor tyrosine kinase 2; plus strand). Cytogenetic location: 9q21.33.
Variant type: single nucleotide variant.
Coding change: c.39G>A on transcript NM_006180.6 (MANE Select); coding-DNA position 39, G replaced by A.
Protein change: p.Ala13=; no amino-acid change (alanine 13 retained).
Molecular consequence: synonymous variant.
Genome position (GRCh38, 1-based): chr9:84,670,787, G>A. VCF-style: chr9-84670787-G-A. GRCh37 (hg19) VCF-style: chr9-87285702-G-A.
Other names: c.39G>A, p.Ala13= (NM_001007097.3, NM_001018064.3, NM_001018065.2 and 18 more transcripts); c.39G>A (NM_006180.4).
Identifiers: ClinVar variation 1598352 (VCV001598352.10), dbSNP rs202111140, ClinGen allele CA5105395.